The following is an entry in ClinVar:

NM_080732.4(EGLN2):c.147C>G (p.His49Gln)

Genes: EGLN2 (egl-9 family hypoxia inducible factor 2; plus strand), RAB4B-EGLN2 (RAB4B-EGLN2 readthrough (NMD candidate); plus strand). Cytogenetic location: 19q13.2.
Variant type: single nucleotide variant.
Coding change: c.147C>G on transcript NM_080732.4 (MANE Select); coding-DNA position 147, C replaced by G.
Protein change: p.His49Gln; replaces histidine 49 with glutamine.
Molecular consequence: missense variant. On other transcripts: non-coding transcript variant (1).
Genome position (GRCh38, 1-based): chr19:40,800,719, C>G. VCF-style: chr19-40800719-C-G. GRCh37 (hg19) VCF-style: chr19-41306624-C-G.
Other names: c.147C>G, p.His49Gln (NM_053046.4); short protein forms H49Q.
Identifiers: ClinVar variation 1773529 (VCV001773529.2), dbSNP rs2515992917, ClinGen allele CA405954655.
Genomic context (GRCh38, chr19:40,800,719, plus strand): 5'-TGGCCGGGCCAGGATGGGAGTGGAGAGTTACCTGCCCTGTCCCCTGCTCCCCTCCTACCA[C>G]TGTCCAGGAGTGCCTAGTGAGGCCTCGGCAGGGAGTGGGACCCCCAGAGCCACAGCCACC-3'
Protein context (NP_542770.2, residues 39-59): YLPCPLLPSY[His49Gln]CPGVPSEASA

ClinVar aggregate classification (germline): Uncertain significance (1 of 4 stars; one submission).

Allele frequency attached by ClinVar (database versions not stated): gnomAD exomes below 0.00001.
gnomAD v4.1: 1 of 1,614,084 alleles (0.000062%); highest among the groups gnomAD compares: Non-Finnish European, 0.000085%; no homozygotes.

Submission:

Ambry Genetics
Classification: Uncertain significance. Last evaluated: 2022-10-24. Review status: criteria provided, single submitter. Criteria: Ambry Variant Classification Scheme 2023. Collection method: clinical testing. Allele origin: germline.
Comment: The p.H49Q variant (also known as c.147C>G), located in coding exon 1 of the EGLN2 gene, results from a C to G substitution at nucleotide position 147. The histidine at codon 49 is replaced by glutamine, an amino acid with highly similar properties. This amino acid position is conserved. In addition, this alteration is predicted to be tolerated by in silico analysis. Since supporting evidence is limited at this time, the clinical significance of this alteration remains unclear.